The following is an entry in ClinVar:

ClinVar aggregate classification (germline): Uncertain significance (0 of 4 stars; one submission).

Conditions:
ADCY3-related disorder. Also called: ADCY3-related condition.

gnomAD v4.1: 1 of 1,609,652 alleles (0.000062%); highest among the groups gnomAD compares: Non-Finnish European, 0.000085%; no homozygotes.

Submission:

PreventionGenetics, part of Exact Sciences
Classification: Uncertain significance for ADCY3-related condition. Last evaluated: 2024-05-16. Review status: no assertion criteria provided. Collection method: clinical testing. Allele origin: germline.
Comment: The ADCY3 c.1085G>A variant is predicted to result in the amino acid substitution p.Arg362Gln. To our knowledge, this variant has not been reported in the literature or in a large population database, indicating this variant is rare. At this time, the clinical significance of this variant is uncertain due to the absence of conclusive functional and genetic evidence.

NM_004036.5(ADCY3):c.1085G>A (p.Arg362Gln)

Gene: ADCY3 (adenylate cyclase 3; minus strand). Cytogenetic location: 2p23.3.
Variant type: single nucleotide variant.
Coding change: c.1085G>A on transcript NM_004036.5 (MANE Select); coding-DNA position 1085, G replaced by A.
Protein change: p.Arg362Gln; replaces arginine 362 with glutamine.
Molecular consequence: missense variant.
Genome position (GRCh38, 1-based): chr2:24,841,370, C>T on the plus strand (G>A on the coding strand, the complement: ADCY3 is on the minus strand). VCF-style: chr2-24841370-C-T. GRCh37 (hg19) VCF-style: chr2-25064239-C-T.
Other names: c.1085G>A, p.Arg362Gln (NM_001320613.2, NM_001377128.1, NM_001377129.1 and 2 more transcripts); c.362G>A, p.Arg121Gln (NM_001377131.1); short protein forms R121Q, R362Q.
Identifiers: ClinVar variation 3354053 (VCV003354053.1).